The following is an entry in ClinVar:

NM_012258.4(HEY1):c.854C>T (p.Thr285Met)

Gene: HEY1 (hes related family bHLH transcription factor with YRPW motif 1; minus strand). Cytogenetic location: 8q21.13.
Variant type: single nucleotide variant.
Coding change: c.854C>T on transcript NM_012258.4 (MANE Select); coding-DNA position 854, C replaced by T.
Protein change: p.Thr285Met; replaces threonine 285 with methionine.
Molecular consequence: missense variant.
Genome position (GRCh38, 1-based): chr8:79,765,249, G>A on the plus strand (C>T on the coding strand, the complement: HEY1 is on the minus strand). VCF-style: chr8-79765249-G-A. GRCh37 (hg19) VCF-style: chr8-80677484-G-A.
Other names: c.866C>T, p.Thr289Met (NM_001040708.2); c.584C>T, p.Thr195Met (NM_001282851.2); short protein forms T195M, T285M, T289M.
Identifiers: ClinVar variation 3041983 (VCV003041983.2), dbSNP rs145511397, ClinGen allele CA4789604.
Genomic context (GRCh38, chr8:79,765,249, plus strand): 5'-TAAAAAGCTCCGATCTCCGTCCCCCAAGGTCTATAGGGCTTGCCAAGGTTTGCAGCCTGC[G>A]TGGGTGCTGAAGGGCTCAGTGCATTGGGAGACAGTAAGTGGAAGGAGCCGAAAGAGAAGG-3'
Protein context (NP_036390.3, residues 275-295): SPNALSPSAP[Thr285Met]QAANLGKPYR

ClinVar aggregate classification (germline): Likely benign (0 of 4 stars; one submission).

Conditions:
HEY1-related disorder. Also called: HEY1-related condition.

Allele frequency attached by ClinVar (database versions not stated): 1000 Genomes Project 30x 0.00016; 1000 Genomes Project 0.00020; ExAC 0.00205; TOPMed 0.00209; gnomAD 0.00218; ESP Exome Variant Server 0.00319; gnomAD exomes 0.00320.
gnomAD v4.1: 4,781 of 1,554,162 alleles (0.31%); highest among the groups gnomAD compares: Non-Finnish European, 0.39%; 15 homozygotes.

Submission:

PreventionGenetics, part of Exact Sciences
Classification: Likely benign for HEY1-related condition. Last evaluated: 2019-03-01. Review status: no assertion criteria provided. Collection method: clinical testing. Allele origin: germline.
Comment: This variant is classified as likely benign based on ACMG/AMP sequence variant interpretation guidelines (Richards et al. 2015 PMID: 25741868, with internal and published modifications).